The following is an entry in ClinVar:

ClinVar aggregate classification (germline): Benign. Review status: criteria provided, single submitter (1 of 4 stars). 2 submissions from 2 submitters: Benign (1). 1 of the submissions does not count toward it. Last evaluated 2017-05-30.

Conditions:
SPEN-related disorder. Also called: SPEN-related condition.

Allele frequency attached by ClinVar (database versions not stated): ExAC 0.00224; gnomAD 0.00682 and 0.00731; TOPMed 0.00743; ESP Exome Variant Server 0.00753; 1000 Genomes Project 0.00879; 1000 Genomes Project 30x 0.01031.
gnomAD v4.1: 2,115 of 1,614,012 alleles (0.13%); highest among the groups gnomAD compares: African/African-American, 2.5%; 36 homozygotes.

Submissions (7):

Labcorp Genetics (formerly Invitae), Labcorp
Classification: Benign. Last evaluated: 2017-05-30. Review status: criteria provided, single submitter. Criteria: Invitae Variant Classification Sherloc (09022015). Collection method: clinical testing. Allele origin: germline.

PreventionGenetics, part of Exact Sciences
Classification: Benign for SPEN-related condition. Last evaluated: 2024-05-23. Review status: no assertion criteria provided. Collection method: clinical testing. Allele origin: germline. Not counted in ClinVar's aggregate classification.
Comment: This variant is classified as benign based on ACMG/AMP sequence variant interpretation guidelines (Richards et al. 2015 PMID: 25741868, with internal and published modifications).

Dr. Peter K. Rogan Lab, Western University
No classification provided (evidence only). Condition: Melanoma. Review status: no classification provided. Collection method: in vitro. Allele origin: not applicable. Functional consequence: retained intron. Not counted in ClinVar's aggregate classification.

Dr. Peter K. Rogan Lab, Western University
No classification provided (evidence only). Condition: Acute myeloid leukemia. Review status: no classification provided. Collection method: in vitro. Allele origin: not applicable. Functional consequence: retained intron. Not counted in ClinVar's aggregate classification.

Dr. Peter K. Rogan Lab, Western University
No classification provided (evidence only). Condition: Thyroid cancer, nonmedullary, 1. Review status: no classification provided. Collection method: in vitro. Allele origin: not applicable. Functional consequence: retained intron. Not counted in ClinVar's aggregate classification.

Dr. Peter K. Rogan Lab, Western University
No classification provided (evidence only). Condition: Gastric cancer. Review status: no classification provided. Collection method: in vitro. Allele origin: not applicable. Functional consequence: retained intron. Not counted in ClinVar's aggregate classification.

Dr. Peter K. Rogan Lab, Western University
No classification provided (evidence only). Condition: Adrenocortical carcinoma, hereditary. Review status: no classification provided. Collection method: in vitro. Allele origin: not applicable. Functional consequence: retained intron. Not counted in ClinVar's aggregate classification.

NM_015001.3(SPEN):c.7657A>G (p.Ser2553Gly)

Gene: SPEN (spen family transcriptional repressor; plus strand). Cytogenetic location: 1p36.13.
Variant type: single nucleotide variant.
Coding change: c.7657A>G on transcript NM_015001.3 (MANE Select); coding-DNA position 7657, A replaced by G.
Protein change: p.Ser2553Gly; replaces serine 2553 with glycine.
Molecular consequence: missense variant.
Genome position (GRCh38, 1-based): chr1:15,933,897, A>G. VCF-style: chr1-15933897-A-G. GRCh37 (hg19) VCF-style: chr1-16260392-A-G.
Other names: NC_000001.10:g.16260392A>G; short protein forms S2553G.
Identifiers: ClinVar variation 777886 (VCV000777886.6), dbSNP rs115746085, ClinGen allele CA620140.